The following is an entry in ClinVar:

NM_032043.3(BRIP1):c.*1374T>C

Gene: BRIP1 (BRCA1 interacting DNA helicase 1; minus strand). Cytogenetic location: 17q23.2.
Variant type: single nucleotide variant.
Coding change: c.*1374T>C on transcript NM_032043.3 (MANE Select); 1374 bases downstream of the stop codon, T replaced by C.
Molecular consequence: 3 prime UTR variant.
Genome position (GRCh38, 1-based): chr17:61,681,922, A>G on the plus strand (T>C on the coding strand, the complement: BRIP1 is on the minus strand). VCF-style: chr17-61681922-A-G. GRCh37 (hg19) VCF-style: chr17-59759283-A-G.
Identifiers: ClinVar variation 324328 (VCV000324328.5), dbSNP rs59115933, ClinGen allele CA10650609.
Genomic context (GRCh38, chr17:61,681,922, plus strand): 5'-AAGTAAATCCTTACTGGAAATTTTGACTTGAAAATAATAGACCATACAGAATTCTTGGAT[A>G]GCTCATAAAATTTCAATTCAAATTACTCACAAAAAGTCCCAATGCCCAGTGAATAACAGA-3'

ClinVar aggregate classification (germline): Benign (1 of 4 stars; one submission).

Conditions:
Fanconi anemia complementation group J. Also called: BRIP1-Related Fanconi Anemia. Identifiers: Orphanet 84, MedGen C1836860, MONDO:0012187, OMIM 609054.

Allele frequency attached by ClinVar (database versions not stated): gnomAD exomes 0.00591; gnomAD 0.03494 and 0.03738; 1000 Genomes Project 0.03794; TOPMed 0.03948; 1000 Genomes Project 30x 0.03951.
gnomAD v4.1: 5,564 of 199,534 alleles (2.8%); highest among the groups gnomAD compares: African/African-American, 12%; 378 homozygotes.

Submission:

Illumina Laboratory Services, Illumina
Classification: Benign for Fanconi anemia complementation group J. Last evaluated: 2018-01-13. Review status: criteria provided, single submitter. Criteria: ICSL Variant Classification Criteria 13 December 2019. Collection method: clinical testing. Allele origin: germline.
Comment: This variant was observed in the ICSL laboratory as part of a predisposition screen in an ostensibly healthy population. It had not been previously curated by ICSL or reported in the Human Gene Mutation Database (HGMD: prior to June 1st, 2018), and was therefore a candidate for classification through an automated scoring system. Utilizing variant allele frequency, disease prevalence and penetrance estimates, and inheritance mode, an automated score was calculated to assess if this variant is too frequent to cause the disease. Based on the score and internal cut-off values, a variant classified as benign is not then subjected to further curation. The score for this variant resulted in a classification of benign for this disease.